The following is an entry in ClinVar:

NM_006767.4(LZTR1):c.646G>A (p.Glu216Lys)

Gene: LZTR1 (leucine zipper like post translational regulator 1; plus strand). Cytogenetic location: 22q11.21.
Variant type: single nucleotide variant.
Coding change: c.646G>A on transcript NM_006767.4 (MANE Select); coding-DNA position 646, G replaced by A.
Protein change: p.Glu216Lys; replaces glutamic acid 216 with lysine.
Molecular consequence: missense variant.
Genome position (GRCh38, 1-based): chr22:20,989,677, G>A. VCF-style: chr22-20989677-G-A. GRCh37 (hg19) VCF-style: chr22-21343966-G-A.
Other names: c.646G>A (NM_006767.3); short protein forms E216K.
Identifiers: ClinVar variation 4755157 (VCV004755157.2).

ClinVar aggregate classification (germline): Uncertain significance. Review status: criteria provided, multiple submitters, no conflicts (2 of 4 stars). 2 submissions from 2 submitters: Uncertain significance (2). Last evaluated 2026-08-16.

Conditions:
Cardiovascular phenotype. Identifiers: MedGen CN230736.
Hereditary cancer-predisposing syndrome. Also called: Hereditary Cancer Syndrome; Hereditary neoplastic syndrome; Neoplastic Syndromes, Hereditary; Tumor predisposition. Identifiers: Orphanet 140162, MedGen C0027672, MeSH D009386, MONDO:0015356.

gnomAD v4.1: 4 of 1,607,560 alleles (0.00025%); highest among the groups gnomAD compares: South Asian, 0.0011%; no homozygotes.

Submissions (2):

Ambry Genetics
Classification: Uncertain significance for Cardiovascular phenotype; Hereditary cancer-predisposing syndrome. Last evaluated: 2026-08-16. Review status: criteria provided, single submitter. Criteria: Ambry Variant Classification Scheme 2023. Collection method: clinical testing. Allele origin: germline.
Comment: The p.E216K variant (also known as c.646G>A), located in coding exon 7 of the LZTR1 gene, results from a G to A substitution at nucleotide position 646. The glutamic acid at codon 216 is replaced by lysine, an amino acid with similar properties. This amino acid position is conserved. In addition, the in silico prediction for this alteration is inconclusive. Based on the available evidence, the clinical significance of this variant remains unclear.

Labcorp Genetics (formerly Invitae), Labcorp
Classification: Uncertain significance. Last evaluated: 2025-11-23. Review status: criteria provided, single submitter. Criteria: Invitae Variant Classification Sherloc (09022015). Collection method: clinical testing. Allele origin: germline.
Comment: This sequence change replaces glutamic acid, which is acidic and polar, with lysine, which is basic and polar, at codon 216 of the LZTR1 protein (p.Glu216Lys). The frequency data for this variant in the population databases is considered unreliable, as metrics indicate poor data quality at this position in the gnomAD database. This variant has not been reported in the literature in individuals affected with LZTR1-related conditions. Invitae Evidence Modeling of protein sequence and biophysical properties (such as structural, functional, and spatial information, amino acid conservation, physicochemical variation, residue mobility, and thermodynamic stability) indicates that this missense variant is not expected to disrupt LZTR1 protein function with a negative predictive value of 80%. In summary, the available evidence is currently insufficient to determine the role of this variant in disease. Therefore, it has been classified as a Variant of Uncertain Significance.